The following is an entry in ClinVar:

NM_005055.5(RAPSN):c.1165A>C (p.Arg389=)

Gene: RAPSN (receptor associated protein of the synapse; minus strand). Cytogenetic location: 11p11.2.
Variant type: single nucleotide variant.
Coding change: c.1165A>C on transcript NM_005055.5 (MANE Select); coding-DNA position 1165, A replaced by C.
Protein change: p.Arg389=; no amino-acid change (arginine 389 retained).
Molecular consequence: synonymous variant.
Genome position (GRCh38, 1-based): chr11:47,438,733, T>G on the plus strand (A>C on the coding strand, the complement: RAPSN is on the minus strand). VCF-style: chr11-47438733-T-G. GRCh37 (hg19) VCF-style: chr11-47460284-T-G.
Other names: c.988A>C, p.Arg330= (NM_032645.5).
Identifiers: ClinVar variation 2080215 (VCV002080215.1), dbSNP rs2153306679, ClinGen allele CA474430438.

ClinVar aggregate classification (germline): Uncertain significance (1 of 4 stars; one submission).

Conditions:
Congenital myasthenic syndrome 11. Also called: MYASTHENIC SYNDROME, CONGENITAL, Ie; Myasthenic syndrome, congenital, 11, associated with acetylcholine receptor deficiency. Identifiers: Orphanet 590, MedGen C4225367, MONDO:0014588, OMIM 616326.
Fetal akinesia deformation sequence 1 (FADS1). Also called: Fetal akinesia sequence; Pena-Shokeir syndrome type I. Identifiers: Orphanet 994, MedGen C1276035, MONDO:0100101, OMIM 208150, HP:0001989.

Submission:

Labcorp Genetics (formerly Invitae), Labcorp
Classification: Uncertain significance for Congenital myasthenic syndrome 11; Fetal akinesia deformation sequence 1. Last evaluated: 2022-05-30. Review status: criteria provided, single submitter. Criteria: Invitae Variant Classification Sherloc (09022015). Collection method: clinical testing. Allele origin: germline.
Comment: This sequence change affects codon 389 of the RAPSN mRNA. It is a 'silent' change, meaning that it does not change the encoded amino acid sequence of the RAPSN protein. It affects a nucleotide within the consensus splice site. This variant is not present in population databases (gnomAD no frequency). This variant has not been reported in the literature in individuals affected with RAPSN-related conditions. Algorithms developed to predict the effect of sequence changes on RNA splicing suggest that this variant may disrupt the consensus splice site. In summary, the available evidence is currently insufficient to determine the role of this variant in disease. Therefore, it has been classified as a Variant of Uncertain Significance.